The following is an entry in ClinVar:

ClinVar aggregate classification (germline): Uncertain significance. Review status: criteria provided, multiple submitters, no conflicts (2 of 4 stars). 3 submissions from 3 submitters: Uncertain significance (2). 1 of the submissions does not count toward it. Last evaluated 2023-10-13.

Conditions:
Inborn genetic diseases. Identifiers: MedGen C0950123, MeSH D030342.
Tyrosinemia type I (TYRSN1). Also called: Tyrosinemia type 1; Fumarylacetoacetase deficiency; Deficiency of fumarylacetoacetase; FAH DEFICIENCY; HEPATORENAL TYROSINEMIA. Identifiers: Orphanet 882, MedGen C0268490, MONDO:0010161, OMIM 276700. Disease mechanism: loss of function.

Allele frequency attached by ClinVar (database versions not stated): gnomAD exomes below 0.00001 and 0.00006; ExAC 0.00001; gnomAD 0.00002 and 0.00004; TOPMed 0.00002.
gnomAD v4.1: 92 of 1,614,078 alleles (0.0057%); highest among the groups gnomAD compares: Non-Finnish European, 0.0071%; no homozygotes.

Submissions (3):

Ambry Genetics
Classification: Uncertain significance for Inborn genetic diseases. Last evaluated: 2023-10-13. Review status: criteria provided, single submitter. Criteria: Ambry Variant Classification Scheme 2023. Collection method: clinical testing. Allele origin: germline.

Labcorp Genetics (formerly Invitae), Labcorp
Classification: Uncertain significance for Tyrosinemia type I. Last evaluated: 2021-09-01. Review status: criteria provided, single submitter. Criteria: Invitae Variant Classification Sherloc (09022015). Collection method: clinical testing. Allele origin: germline.
Comment: This sequence change replaces isoleucine with valine at codon 108 of the FAH protein (p.Ile108Val). The isoleucine residue is weakly conserved and there is a small physicochemical difference between isoleucine and valine. This variant is present in population databases (rs747942022, ExAC 0.001%). This variant has not been reported in the literature in individuals affected with FAH-related conditions. Algorithms developed to predict the effect of missense changes on protein structure and function output the following: SIFT: "Tolerated"; PolyPhen-2: "Benign"; Align-GVGD: "Class C0". The valine amino acid residue is found in multiple mammalian species, which suggests that this missense change does not adversely affect protein function. In summary, the available evidence is currently insufficient to determine the role of this variant in disease. Therefore, it has been classified as a Variant of Uncertain Significance.

Natera, Inc.
Classification: Uncertain significance for Tyrosinemia type I. Last evaluated: 2018-06-11. Review status: no assertion criteria provided. Collection method: clinical testing. Allele origin: germline. Not counted in ClinVar's aggregate classification.

NM_000137.4(FAH):c.322A>G (p.Ile108Val)

Genes: FAH (fumarylacetoacetate hydrolase; plus strand), LOC112272621 (Sharpr-MPRA regulatory region 12283; plus strand). Cytogenetic location: 15q25.1.
Variant type: single nucleotide variant.
Coding change: c.322A>G on transcript NM_000137.4 (MANE Select); coding-DNA position 322, A replaced by G.
Protein change: p.Ile108Val; replaces isoleucine 108 with valine.
Molecular consequence: missense variant.
Genome position (GRCh38, 1-based): chr15:80,160,417, A>G. VCF-style: chr15-80160417-A-G. GRCh37 (hg19) VCF-style: chr15-80452759-A-G.
Other names: c.322A>G (NM_000137.2); c.322A>G, p.Ile108Val (NM_001374377.1, NM_001374380.1); short protein forms I108V.
Identifiers: ClinVar variation 1054501 (VCV001054501.6), dbSNP rs747942022, ClinGen allele CA7691103.